The following is an entry in ClinVar:

NM_001367624.2(ZNF469):c.1583C>A (p.Pro528Gln)

Gene: ZNF469 (zinc finger protein 469; plus strand). Cytogenetic location: 16q24.2.
Variant type: single nucleotide variant.
Coding change: c.1583C>A on transcript NM_001367624.2 (MANE Select); coding-DNA position 1583, C replaced by A.
Protein change: p.Pro528Gln; replaces proline 528 with glutamine.
Molecular consequence: missense variant.
Genome position (GRCh38, 1-based): chr16:88,429,053, C>A. VCF-style: chr16-88429053-C-A. GRCh37 (hg19) VCF-style: chr16-88495461-C-A.
Other names: NM_001127464.1:c.1583C>A; short protein forms P528Q.
Identifiers: ClinVar variation 2564225 (VCV002564225.2), dbSNP rs1289402469, ClinGen allele CA397067771.

ClinVar aggregate classification (germline): Uncertain significance (1 of 4 stars; one submission).

Conditions:
Cardiovascular phenotype. Identifiers: MedGen CN230736.

Submission:

Ambry Genetics
Classification: Uncertain significance for Cardiovascular phenotype. Last evaluated: 2023-04-13. Review status: criteria provided, single submitter. Criteria: Ambry Variant Classification Scheme 2023. Collection method: clinical testing. Allele origin: germline.
Comment: The p.P528Q variant (also known as c.1583C>A), located in coding exon 1 of the ZNF469 gene, results from a C to A substitution at nucleotide position 1583. The proline at codon 528 is replaced by glutamine, an amino acid with similar properties. This amino acid position is conserved. In addition, this alteration is predicted to be tolerated by in silico analysis. Since supporting evidence is limited at this time, the clinical significance of this alteration remains unclear.